The following is an entry in ClinVar:

NM_001148.6(ANK2):c.2575G>A (p.Gly859Arg)

Gene: ANK2 (ankyrin 2; plus strand). Cytogenetic location: 4q26.
Variant type: single nucleotide variant.
Coding change: c.2575G>A on transcript NM_001148.6 (MANE Select); coding-DNA position 2575, G replaced by A.
Protein change: p.Gly859Arg; replaces glycine 859 with arginine.
Molecular consequence: missense variant.
Genome position (GRCh38, 1-based): chr4:113,311,281, G>A. VCF-style: chr4-113311281-G-A. GRCh37 (hg19) VCF-style: chr4-114232437-G-A.
Other names: c.2575G>A, p.Gly859Arg (NM_001354236.2, NM_001354246.2, NM_001354265.2 and 6 more transcripts); c.2620G>A, p.Gly874Arg (NM_001354237.2, NM_001354240.2, NM_001354241.2 and 5 more transcripts); c.2512G>A, p.Gly838Arg (NM_001354239.2, NM_001354243.2, NM_001354244.2 and 10 more transcripts); c.2476G>A, p.Gly826Arg (NM_001354245.2, NM_001354268.2); c.2533G>A, p.Gly845Arg (NM_001354261.2, NM_001386147.1, NM_001386160.1); c.2488G>A, p.Gly830Arg (NM_001354264.2, NM_001354266.2, NM_001354267.2 and 10 more transcripts); c.2365G>A, p.Gly789Arg (NM_001354269.3); c.2413G>A, p.Gly805Arg (NM_001354270.2, NM_001354253.2, NM_001354257.2 and 1 more transcripts); and 9 more; short protein forms G68R, G731R, G764R, G789R, G793R, G797R, G805R, G826R.
Identifiers: ClinVar variation 4536500 (VCV004536500.1).

ClinVar aggregate classification (germline): Uncertain significance (1 of 4 stars; one submission).

gnomAD v4.1: 2 of 1,613,972 alleles (0.00012%); highest among the groups gnomAD compares: Non-Finnish European, 0.00017%; no homozygotes.

Submission:

GeneDx
Classification: Uncertain significance. Last evaluated: 2025-06-02. Review status: criteria provided, single submitter. Criteria: GeneDx Variant Classification Process June 2021. Collection method: clinical testing. Allele origin: germline. Affected: yes.
Comment: Not observed at significant frequency in large population cohorts (gnomAD); In silico analysis supports that this missense variant has a deleterious effect on protein structure/function; Has not been previously published as pathogenic or benign to our knowledge; This variant is associated with the following publications: (PMID: 39867173)